The following is an entry in ClinVar:

NM_001035.3(RYR2):c.4374C>A (p.Asp1458Glu)

Gene: RYR2 (ryanodine receptor 2; plus strand). Cytogenetic location: 1q43.
Variant type: single nucleotide variant.
Coding change: c.4374C>A on transcript NM_001035.3 (MANE Select); coding-DNA position 4374, C replaced by A.
Protein change: p.Asp1458Glu; replaces aspartic acid 1458 with glutamic acid.
Molecular consequence: missense variant.
Genome position (GRCh38, 1-based): chr1:237,593,574, C>A. VCF-style: chr1-237593574-C-A. GRCh37 (hg19) VCF-style: chr1-237756874-C-A.
Other names: short protein forms D1458E.
Identifiers: ClinVar variation 3893919 (VCV003893919.1).

ClinVar aggregate classification (germline): Uncertain significance (1 of 4 stars; one submission).

Conditions:
Cardiomyopathy (CMYO). Also called: Cardiomyopathies. Identifiers: Orphanet 167848, MedGen C0878544, MONDO:0004994, HP:0001638. Inheritance: Various modes of inheritance.

gnomAD v4.1: 3 of 1,613,734 alleles (0.00019%); highest among the groups gnomAD compares: South Asian, 0.0011%; no homozygotes.

Submission:

Color Diagnostics, LLC DBA Color Health
Classification: Uncertain significance for Cardiomyopathy. Last evaluated: 2024-12-10. Review status: criteria provided, single submitter. Criteria: ACMG Guidelines, 2015. Collection method: clinical testing. Allele origin: germline.
Comment: This missense variant replaces aspartic acid with glutamic acid at codon 1458 of the RYR2 protein. Computational prediction is inconclusive regarding the impact of this variant on protein structure and function (internally defined REVEL score threshold 0.5 < inconclusive < 0.7, PMID: 27666373). To our knowledge, functional studies have not been reported for this variant. This variant has not been reported in individuals affected with RYR2-related disorders in the literature. This variant has been identified in 1/31400 chromosomes in the general population by the Genome Aggregation Database (gnomAD). The available evidence is insufficient to determine the role of this variant in disease conclusively. Therefore, this variant is classified as a Variant of Uncertain Significance.